The following is an entry in ClinVar:

ClinVar aggregate classification (germline): Uncertain significance (1 of 4 stars; one submission).

gnomAD v4.1: 1 of 1,611,630 alleles (0.000062%); highest among the groups gnomAD compares: Non-Finnish European, 0.000085%; no homozygotes.

Submission:

Ambry Genetics
Classification: Uncertain significance. Last evaluated: 2024-12-14. Review status: criteria provided, single submitter. Criteria: Ambry Variant Classification Scheme 2023. Collection method: clinical testing. Allele origin: germline.
Comment: The p.P1989T variant (also known as c.5965C>A), located in coding exon 24 of the WNK2 gene, results from a C to A substitution at nucleotide position 5965. The proline at codon 1989 is replaced by threonine, an amino acid with highly similar properties. This amino acid position is conserved. In addition, this alteration is predicted to be tolerated by in silico analysis. Based on the available evidence, the clinical significance of this variant remains unclear.

NM_006648.4(WNK2):c.5965C>A (p.Pro1989Thr)

Gene: WNK2 (WNK lysine deficient protein kinase 2; plus strand). Cytogenetic location: 9q22.31.
Variant type: single nucleotide variant.
Coding change: c.5965C>A on transcript NM_006648.4 (MANE Select); coding-DNA position 5965, C replaced by A.
Protein change: p.Pro1989Thr; replaces proline 1989 with threonine.
Molecular consequence: missense variant.
Genome position (GRCh38, 1-based): chr9:93,299,111, C>A. VCF-style: chr9-93299111-C-A. GRCh37 (hg19) VCF-style: chr9-96061393-C-A.
Other names: c.6076C>A, p.Pro2026Thr (NM_001282394.3); short protein forms P1989T, P2026T.
Identifiers: ClinVar variation 3816469 (VCV003816469.1).